The following is an entry in ClinVar:

NM_000108.5(DLD):c.40-3T>A

Gene: DLD (dihydrolipoamide dehydrogenase; plus strand). Cytogenetic location: 7q31.1.
Variant type: single nucleotide variant.
Coding change: c.40-3T>A on transcript NM_000108.5 (MANE Select); 3 bases into the intron before coding-DNA position 40, T replaced by A.
Molecular consequence: intron variant.
Genome position (GRCh38, 1-based): chr7:107,893,197, T>A. VCF-style: chr7-107893197-T-A. GRCh37 (hg19) VCF-style: chr7-107533642-T-A.
Other names: c.40-3T>A (NM_001289752.1, NM_001289751.1); c.-109-3T>A (NM_001289750.1).
Identifiers: ClinVar variation 2131741 (VCV002131741.3), dbSNP rs2116162419, ClinGen allele CA2580076197.
Genomic context (GRCh38, chr7:107,893,197, plus strand): 5'-ACCTTCAGTAGTTCTATGTTTTGAATTCATATCTTACATAATAGGGACATTTTCTTTTTC[T>A]AGAGAGGCCATTTCAATCGAATATCTCATGGCCTACAGGGACTTTCTGCAGTGCCTCTGA-3'

ClinVar aggregate classification (germline): Uncertain significance (1 of 4 stars; one submission).

Conditions:
Pyruvate dehydrogenase E3 deficiency (DLDD). Also called: Lipoamide dehydrogenase deficiency, lactic acidosis due to; MAPLE SYRUP URINE DISEASE, TYPE III; Dihydrolipoamide Dehydrogenase E3 Deficiency; DLD DEFICIENCY; E3 DEFICIENCY; Dihydrolipoamide Dehydrogenase Deficiency. Identifiers: Orphanet 2394, Orphanet 765, MedGen C5574660, MONDO:0009529, OMIM 246900.

Submission:

Labcorp Genetics (formerly Invitae), Labcorp
Classification: Uncertain significance for Pyruvate dehydrogenase E3 deficiency. Last evaluated: 2022-04-29. Review status: criteria provided, single submitter. Criteria: Invitae Variant Classification Sherloc (09022015). Collection method: clinical testing. Allele origin: germline.
Comment: In summary, the available evidence is currently insufficient to determine the role of this variant in disease. Therefore, it has been classified as a Variant of Uncertain Significance. Variants that disrupt the consensus splice site are a relatively common cause of aberrant splicing (PMID: 17576681, 9536098). Algorithms developed to predict the effect of sequence changes on RNA splicing suggest that this variant may disrupt the consensus splice site. This variant has not been reported in the literature in individuals affected with DLD-related conditions. This variant is not present in population databases (gnomAD no frequency). This sequence change falls in intron 1 of the DLD gene. It does not directly change the encoded amino acid sequence of the DLD protein. It affects a nucleotide within the consensus splice site.

Literature cited by the submitters: PubMed 17576681; PubMed 9536098.